The following is an entry in ClinVar:

ClinVar aggregate classification (germline): Pathogenic (1 of 4 stars; one submission).

Submission:

Labcorp Genetics (formerly Invitae), Labcorp
Classification: Pathogenic. Last evaluated: 2024-08-19. Review status: criteria provided, single submitter. Criteria: Invitae Variant Classification Sherloc (09022015). Collection method: clinical testing. Allele origin: germline.
Comment: This sequence change creates a premature translational stop signal (p.Trp1574*) in the COL4A1 gene. It is expected to result in an absent or disrupted protein product. Loss-of-function variants in COL4A1 are known to be pathogenic (PMID: 23225343). This variant is not present in population databases (gnomAD no frequency). This variant has not been reported in the literature in individuals affected with COL4A1-related conditions. For these reasons, this variant has been classified as Pathogenic.

Literature cited by the submitters: PubMed 23225343.

NM_001845.6(COL4A1):c.4721G>A (p.Trp1574Ter)

Gene: COL4A1 (collagen type IV alpha 1 chain; minus strand). Cytogenetic location: 13q34.
Variant type: single nucleotide variant.
Coding change: c.4721G>A on transcript NM_001845.6 (MANE Select); coding-DNA position 4721, G replaced by A.
Protein change: p.Trp1574Ter; replaces tryptophan 1574 with a stop codon.
Molecular consequence: nonsense.
Genome position (GRCh38, 1-based): chr13:110,155,317, C>T on the plus strand (G>A on the coding strand, the complement: COL4A1 is on the minus strand). VCF-style: chr13-110155317-C-T. GRCh37 (hg19) VCF-style: chr13-110807664-C-T.
Other names: short protein forms W1574*.
Identifiers: ClinVar variation 3652412 (VCV003652412.2).